The following is an entry in ClinVar:

ClinVar aggregate classification (germline): Uncertain significance (1 of 4 stars; one submission).

Submission:

GeneDx
Classification: Uncertain significance. Last evaluated: 2024-09-21. Review status: criteria provided, single submitter. Criteria: GeneDx Variant Classification Process June 2021. Collection method: clinical testing. Allele origin: germline. Affected: yes.
Comment: Not observed at significant frequency in large population cohorts (gnomAD); In silico analysis supports that this missense variant has a deleterious effect on protein structure/function; Has not been previously published as pathogenic or benign to our knowledge

NM_001102401.4(TTI2):c.718T>A (p.Trp240Arg)

Gene: TTI2 (TELO2 interacting protein 2; minus strand). Cytogenetic location: 8p12.
Variant type: single nucleotide variant.
Coding change: c.718T>A on transcript NM_001102401.4 (MANE Select); coding-DNA position 718, T replaced by A.
Protein change: p.Trp240Arg; replaces tryptophan 240 with arginine.
Molecular consequence: missense variant.
Genome position (GRCh38, 1-based): chr8:33,509,862, A>T on the plus strand (T>A on the coding strand, the complement: TTI2 is on the minus strand). VCF-style: chr8-33509862-A-T. GRCh37 (hg19) VCF-style: chr8-33367380-A-T.
Other names: c.718T>A, p.Trp240Arg (NM_001265581.2, NM_001330505.3, NM_025115.5); short protein forms W240R.
Identifiers: ClinVar variation 3774203 (VCV003774203.1).
Genomic context (GRCh38, chr8:33,509,862, plus strand): 5'-GATAGTCATCTGAAATGACCAATGATGCGGGAAGTACCCTTTCCAGATGCTGGCTCAGCC[A>T]GGGCCGAGTGACCTGTTGCAGAGTCCATGAGAAAACATGTTTGATGGCAGGGTTATTCTT-3'
Protein context (NP_001095871.1, residues 230-250): SWTLQQVTRP[Trp240Arg]LSQHLERVLP